The following is an entry in ClinVar:

NM_001029.5(RPS26):c.70A>G (p.Thr24Ala)

Gene: RPS26 (ribosomal protein S26; plus strand). Cytogenetic location: 12q13.2.
Variant type: single nucleotide variant.
Coding change: c.70A>G on transcript NM_001029.5 (MANE Select); coding-DNA position 70, A replaced by G.
Protein change: p.Thr24Ala; replaces threonine 24 with alanine.
Molecular consequence: missense variant.
Genome position (GRCh38, 1-based): chr12:56,042,491, A>G. VCF-style: chr12-56042491-A-G. GRCh37 (hg19) VCF-style: chr12-56436275-A-G.
Other names: short protein forms T24A.
Identifiers: ClinVar variation 2435482 (VCV002435482.6), dbSNP rs2540722814, ClinGen allele CA385326401.

ClinVar aggregate classification (germline): Uncertain significance. Review status: criteria provided, multiple submitters, no conflicts (2 of 4 stars). 2 submissions from 2 submitters: Uncertain significance (2). Last evaluated 2025-04-14.

Conditions:
Diamond-Blackfan anemia 10 (DBA10). Also called: RPS26-Related Diamond-Blackfan Anemia. Identifiers: Orphanet 124, MedGen C2750080, MONDO:0013217, OMIM 613309.

Allele frequency attached by ClinVar (database versions not stated): gnomAD exomes 0.00001.
gnomAD v4.1: 10 of 1,608,862 alleles (0.00062%); highest among the groups gnomAD compares: East Asian, 0.0045%; no homozygotes.

Submissions (2):

Labcorp Genetics (formerly Invitae), Labcorp
Classification: Uncertain significance for Diamond-Blackfan anemia 10. Last evaluated: 2025-04-14. Review status: criteria provided, single submitter. Criteria: Invitae Variant Classification Sherloc (09022015). Collection method: clinical testing. Allele origin: germline.
Comment: This sequence change replaces threonine, which is neutral and polar, with alanine, which is neutral and non-polar, at codon 24 of the RPS26 protein (p.Thr24Ala). This variant is not present in population databases (gnomAD no frequency). This variant has not been reported in the literature in individuals affected with RPS26-related conditions. ClinVar contains an entry for this variant (Variation ID: 2435482). An algorithm developed to predict the effect of missense changes on protein structure and function (PolyPhen-2) suggests that this variant is likely to be tolerated. In summary, the available evidence is currently insufficient to determine the role of this variant in disease. Therefore, it has been classified as a Variant of Uncertain Significance.

Revvity Omics, Revvity
Classification: Uncertain significance for Diamond-Blackfan anemia 10. Last evaluated: 2021-12-01. Review status: criteria provided, single submitter. Criteria: ACMG Guidelines, 2015. Collection method: clinical testing. Allele origin: germline.